The following is an entry in ClinVar:

ClinVar aggregate classification (germline): Uncertain significance (1 of 4 stars; one submission).

Conditions:
Cranioectodermal dysplasia 1 (CED1). Also called: LEVIN SYNDROME I. Identifiers: Orphanet 1515, MedGen C0432235, MONDO:0021093, OMIM 218330.

Allele frequency attached by ClinVar (database versions not stated): ExAC 0.00001.
gnomAD v4.1: 1 of 1,612,490 alleles (0.000062%); highest among the groups gnomAD compares: Admixed American, 0.0017%; no homozygotes.

Submission:

Labcorp Genetics (formerly Invitae), Labcorp
Classification: Uncertain significance for Cranioectodermal dysplasia 1. Last evaluated: 2022-06-20. Review status: criteria provided, single submitter. Criteria: Invitae Variant Classification Sherloc (09022015). Collection method: clinical testing. Allele origin: germline.
Comment: This variant is present in population databases (rs763142182, gnomAD 0.003%). This sequence change replaces valine, which is neutral and non-polar, with leucine, which is neutral and non-polar, at codon 889 of the IFT122 protein (p.Val889Leu). This variant has not been reported in the literature in individuals affected with IFT122-related conditions. Algorithms developed to predict the effect of missense changes on protein structure and function (SIFT, PolyPhen-2, Align-GVGD) all suggest that this variant is likely to be tolerated. In summary, the available evidence is currently insufficient to determine the role of this variant in disease. Therefore, it has been classified as a Variant of Uncertain Significance.

NM_052989.3(IFT122):c.2512G>C (p.Val838Leu)

Gene: IFT122 (intraflagellar transport 122; plus strand). Cytogenetic location: 3q22.1.
Variant type: single nucleotide variant.
Coding change: c.2512G>C on transcript NM_052989.3 (MANE Select); coding-DNA position 2512, G replaced by C.
Protein change: p.Val838Leu; replaces valine 838 with leucine.
Molecular consequence: missense variant.
Genome position (GRCh38, 1-based): chr3:129,502,847, G>C. VCF-style: chr3-129502847-G-C. GRCh37 (hg19) VCF-style: chr3-129221690-G-C.
Other names: c.2488G>C, p.Val830Leu (NM_001280541.2); c.2062G>C, p.Val688Leu (NM_001280545.2); c.1885G>C, p.Val629Leu (NM_001280546.2); c.2512G>C, p.Val838Leu (NM_001410808.1); c.2458G>C, p.Val820Leu (NM_001410809.1); c.2281G>C, p.Val761Leu (NM_001410813.1, NM_001410811.1); c.2179G>C, p.Val727Leu (NM_001410815.1, NM_052990.3); c.2125G>C, p.Val709Leu (NM_001410817.1); and 2 more; short protein forms V688L, V830L, V629L, V709L, V779L, V727L, V761L, V820L.
Identifiers: ClinVar variation 1973132 (VCV001973132.5), dbSNP rs763142182, ClinGen allele CA2606538.
Genomic context (GRCh38, chr3:129,502,847, plus strand): 5'-CTGGACAGCCCTGGCTATGCTGCTGAGACCTACCTGAAGATGGGTGACCTCAAGTCCCTG[G>C]TGCAGCTGCACGTGGAGACCCAGCGCTGGGATGAGGTGAGGGGAAAGCAGGCCTCATGGG-3'
Protein context (NP_443715.1, residues 828-848): YLKMGDLKSL[Val838Leu]QLHVETQRWD